The following is an entry in ClinVar:

ClinVar aggregate classification (germline): Likely benign. Review status: criteria provided, multiple submitters, no conflicts (2 of 4 stars). 4 submissions from 4 submitters: Likely benign (3). 1 of the submissions does not count toward it. Last evaluated 2026-01-19.

Conditions:
Donnai-Barrow syndrome. Also called: DBS/FOAR SYNDROME; FACIOOCULOACOUSTICORENAL SYNDROME. Identifiers: Orphanet 2143, MedGen C1857277, MONDO:0009104, OMIM 222448.
LRP2-related disorder. Also called: LRP2-related condition.

Allele frequency attached by ClinVar (database versions not stated): gnomAD 0.00006; TOPMed 0.00011; 1000 Genomes Project 30x 0.00016; ESP Exome Variant Server 0.00023.
gnomAD v4.1: 47 of 1,614,110 alleles (0.0029%); highest among the groups gnomAD compares: Middle Eastern, 0.066%; 1 homozygote.

Submissions (4):

Labcorp Genetics (formerly Invitae), Labcorp
Classification: Likely benign. Last evaluated: 2026-01-19. Review status: criteria provided, single submitter. Criteria: Invitae Variant Classification Sherloc (09022015). Collection method: clinical testing. Allele origin: germline.

Blueprint Genetics
Classification: Likely benign. Last evaluated: 2024-05-10. Review status: criteria provided, single submitter. Criteria: ACMG Guidelines, 2015. Collection method: clinical testing. Allele origin: germline.

Fulgent Genetics
Classification: Likely benign for Donnai-Barrow syndrome. Last evaluated: 2021-12-15. Review status: criteria provided, single submitter. Criteria: ACMG Guidelines, 2015. Collection method: clinical testing. Allele origin: unknown.

PreventionGenetics, part of Exact Sciences
Classification: Likely benign for LRP2-related condition. Last evaluated: 2019-10-28. Review status: no assertion criteria provided. Collection method: clinical testing. Allele origin: germline. Not counted in ClinVar's aggregate classification.
Comment: This variant is classified as likely benign based on ACMG/AMP sequence variant interpretation guidelines (Richards et al. 2015 PMID: 25741868, with internal and published modifications).

NM_004525.3(LRP2):c.2886G>C (p.Ser962=)

Gene: LRP2 (LDL receptor related protein 2; minus strand). Cytogenetic location: 2q31.1.
Variant type: single nucleotide variant.
Coding change: c.2886G>C on transcript NM_004525.3 (MANE Select); coding-DNA position 2886, G replaced by C.
Protein change: p.Ser962=; no amino-acid change (serine 962 retained).
Molecular consequence: synonymous variant.
Genome position (GRCh38, 1-based): chr2:169,247,400, C>G on the plus strand (G>C on the coding strand, the complement: LRP2 is on the minus strand). VCF-style: chr2-169247400-C-G. GRCh37 (hg19) VCF-style: chr2-170103910-C-G.
Identifiers: ClinVar variation 708881 (VCV000708881.14), dbSNP rs138299719, ClinGen allele CA1955191.